The following is an entry in ClinVar:

NM_006019.4(TCIRG1):c.1087C>T (p.Arg363Cys)

Gene: TCIRG1 (T cell immune regulator 1, ATPase H+ transporting V0 subunit a3; plus strand). Cytogenetic location: 11q13.2.
Variant type: single nucleotide variant.
Coding change: c.1087C>T on transcript NM_006019.4 (MANE Select); coding-DNA position 1087, C replaced by T.
Protein change: p.Arg363Cys; replaces arginine 363 with cysteine.
Molecular consequence: missense variant.
Genome position (GRCh38, 1-based): chr11:68,045,024, C>T. VCF-style: chr11-68045024-C-T. GRCh37 (hg19) VCF-style: chr11-67812491-C-T.
Other names: c.193C>T, p.Arg65Cys (NM_001351059.2); c.439C>T, p.Arg147Cys (NM_006053.4); short protein forms R363C, R65C, R147C.
Identifiers: ClinVar variation 548582 (VCV000548582.10), dbSNP rs375809635, ClinGen allele CA6146941.

ClinVar aggregate classification (germline): Uncertain significance. Review status: criteria provided, multiple submitters, no conflicts (2 of 4 stars). 3 submissions from 3 submitters: Uncertain significance (3). Last evaluated 2026-01-06.

Conditions:
Autosomal recessive osteopetrosis 1. Also called: TCIRG1-Related Autosomal Recessive Osteopetrosis; TCIRG1-Related Osteopetrosis; ALBERS-SCHONBERG DISEASE, AUTOSOMAL RECESSIVE. Identifiers: Orphanet 667, MedGen C1850127, MONDO:0009815, OMIM 259700.

Allele frequency attached by ClinVar (database versions not stated): gnomAD exomes 0.00001 and 0.00003; TOPMed 0.00001; ExAC 0.00002; gnomAD 0.00002; ESP Exome Variant Server 0.00008.
gnomAD v4.1: 22 of 1,607,920 alleles (0.0014%); highest among the groups gnomAD compares: Admixed American, 0.0067%; no homozygotes.

Submissions (3):

Labcorp Genetics (formerly Invitae), Labcorp
Classification: Uncertain significance. Last evaluated: 2026-01-06. Review status: criteria provided, single submitter. Criteria: Invitae Variant Classification Sherloc (09022015). Collection method: clinical testing. Allele origin: germline.
Comment: This sequence change replaces arginine, which is basic and polar, with cysteine, which is neutral and slightly polar, at codon 363 of the TCIRG1 protein (p.Arg363Cys). This variant is present in population databases (rs375809635, gnomAD 0.01%). This variant has not been reported in the literature in individuals affected with TCIRG1-related conditions. ClinVar contains an entry for this variant (Variation ID: 548582). Invitae Evidence Modeling of protein sequence and biophysical properties (such as structural, functional, and spatial information, amino acid conservation, physicochemical variation, residue mobility, and thermodynamic stability) indicates that this missense variant is not expected to disrupt TCIRG1 protein function with a negative predictive value of 80%. In summary, the available evidence is currently insufficient to determine the role of this variant in disease. Therefore, it has been classified as a Variant of Uncertain Significance.

Fulgent Genetics
Classification: Uncertain significance for Autosomal recessive osteopetrosis 1. Last evaluated: 2021-08-02. Review status: criteria provided, single submitter. Criteria: ACMG Guidelines, 2015. Collection method: clinical testing. Allele origin: unknown.

Genomic Research Center, Shahid Beheshti University of Medical Sciences
Classification: Uncertain significance for Autosomal recessive osteopetrosis 1. Last evaluated: 2018-03-05. Review status: criteria provided, single submitter. Criteria: ACMG Guidelines, 2015. Collection method: clinical testing. Allele origin: inherited. Affected: yes. Observed: 1 variant allele.